The following is an entry in ClinVar:

NM_001365902.3(NFIX):c.738G>A (p.Ala246=)

Gene: NFIX (nuclear factor I X; plus strand). Cytogenetic location: 19p13.13.
Variant type: single nucleotide variant.
Coding change: c.738G>A on transcript NM_001365902.3 (MANE Select); coding-DNA position 738, G replaced by A.
Protein change: p.Ala246=; no amino-acid change (alanine 246 retained).
Molecular consequence: synonymous variant.
Genome position (GRCh38, 1-based): chr19:13,073,946, G>A. VCF-style: chr19-13073946-G-A. GRCh37 (hg19) VCF-style: chr19-13184760-G-A.
Other names: c.762G>A, p.Ala254= (NM_001271043.2); c.714G>A, p.Ala238= (NM_001271044.3, NM_001378404.1); c.738G>A, p.Ala246= (NM_001365982.2, NM_002501.4); c.597G>A, p.Ala199= (NM_001365983.2); c.735G>A, p.Ala245= (NM_001365984.2, NM_001365985.2); c.786G>A, p.Ala262= (NM_001378405.1).
Identifiers: ClinVar variation 1314797 (VCV001314797.2), dbSNP rs780269313, ClinGen allele CA305553643.

ClinVar aggregate classification (germline): Uncertain significance (1 of 4 stars; one submission).

Allele frequency attached by ClinVar (database versions not stated): gnomAD exomes below 0.00001 and 0.00002.
gnomAD v4.1: 34 of 1,613,918 alleles (0.0021%); highest among the groups gnomAD compares: Non-Finnish European, 0.0025%; no homozygotes.

Submission:

GeneDx
Classification: Uncertain significance. Last evaluated: 2021-04-27. Review status: criteria provided, single submitter. Criteria: GeneDx Variant Classification Process June 2021. Collection method: clinical testing. Allele origin: germline. Affected: yes.
Comment: Has not been previously published as pathogenic or benign to our knowledge; In silico analysis, which includes splice predictors and evolutionary conservation, suggests this variant may impact gene splicing. In the absence of RNA/functional studies, the actual effect of this sequence change is unknown.